The following is an entry in ClinVar:

ClinVar aggregate classification (germline): Likely benign. Review status: criteria provided, multiple submitters, no conflicts (2 of 4 stars). 3 submissions from 3 submitters: Likely benign (2). 1 of the submissions does not count toward it. Last evaluated 2026-02-03.

Conditions:
ALG13-related disorder. Also called: ALG13-related condition.
Developmental and epileptic encephalopathy, 36 (DEE36). Also called: ALG13-CDG; Congenital disorder of glycosylation, type Is; Epileptic encephalopathy, early infantile, 36. Identifiers: Orphanet 324422, MedGen C4317295, MONDO:0010472, OMIM 300884.

Submissions (3):

Labcorp Genetics (formerly Invitae), Labcorp
Classification: Likely benign for Developmental and epileptic encephalopathy, 36. Last evaluated: 2026-02-03. Review status: criteria provided, single submitter. Criteria: Invitae Variant Classification Sherloc (09022015). Collection method: clinical testing. Allele origin: germline.

Blueprint Genetics
Classification: Likely benign. Last evaluated: 2024-11-28. Review status: criteria provided, single submitter. Criteria: ACMG Guidelines, 2015. Collection method: clinical testing. Allele origin: germline.

PreventionGenetics, part of Exact Sciences
Classification: Likely benign for ALG13-related condition. Last evaluated: 2019-05-10. Review status: no assertion criteria provided. Collection method: clinical testing. Allele origin: germline. Not counted in ClinVar's aggregate classification.
Comment: This variant is classified as likely benign based on ACMG/AMP sequence variant interpretation guidelines (Richards et al. 2015 PMID: 25741868, with internal and published modifications).

NM_001099922.3(ALG13):c.2784A>C (p.Pro928=)

Gene: ALG13 (ALG13 UDP-N-acetylglucosaminyltransferase subunit; plus strand). Cytogenetic location: Xq23.
Variant type: single nucleotide variant.
Coding change: c.2784A>C on transcript NM_001099922.3 (MANE Select); coding-DNA position 2784, A replaced by C.
Protein change: p.Pro928=; no amino-acid change (proline 928 retained).
Molecular consequence: synonymous variant. On other transcripts: intron variant (5).
Genome position (GRCh38, 1-based): chrX:111,744,756, A>C. VCF-style: chrX-111744756-A-C. GRCh37 (hg19) VCF-style: chrX-110987984-A-C.
Other names: c.2550A>C, p.Pro850= (NM_001257231.2); c.2383+7877A>C (NM_001257237.2, NM_001257234.2, NM_001257230.2); c.2209+7877A>C (NM_001324293.1); c.2695+7877A>C (NM_001324292.2).
Identifiers: ClinVar variation 767225 (VCV000767225.12), dbSNP rs1602888630, ClinGen allele CA518059783.